The following is an entry in ClinVar:

ClinVar aggregate classification (germline): Uncertain significance (1 of 4 stars; one submission).

Conditions:
Progressive familial heart block type IB (PFHB1B). Identifiers: Orphanet 871, MedGen C1970298, MONDO:0011474, OMIM 604559.

Submission:

Labcorp Genetics (formerly Invitae), Labcorp
Classification: Uncertain significance for Progressive familial heart block type IB. Last evaluated: 2025-07-20. Review status: criteria provided, single submitter. Criteria: Invitae Variant Classification Sherloc (09022015). Collection method: clinical testing. Allele origin: germline.
Comment: This sequence change falls in intron 1 of the TRPM4 gene. It does not directly change the encoded amino acid sequence of the TRPM4 protein. It affects a nucleotide within the consensus splice site. This variant is not present in population databases (gnomAD no frequency). This variant has not been reported in the literature in individuals affected with TRPM4-related conditions. Variants that disrupt the consensus splice site are a relatively common cause of aberrant splicing (PMID: 17576681, 9536098). Algorithms developed to predict the effect of sequence changes on RNA splicing suggest that this variant is not likely to affect RNA splicing. In summary, the available evidence is currently insufficient to determine the role of this variant in disease. Therefore, it has been classified as a Variant of Uncertain Significance.

Literature cited by the submitters: PubMed 17576681; PubMed 9536098.

NM_017636.4(TRPM4):c.24+6C>A

Gene: TRPM4 (transient receptor potential cation channel subfamily M member 4; plus strand). Cytogenetic location: 19q13.33.
Variant type: single nucleotide variant.
Coding change: c.24+6C>A on transcript NM_017636.4 (MANE Select); 6 bases into the intron after coding-DNA position 24, C replaced by A.
Molecular consequence: intron variant.
Genome position (GRCh38, 1-based): chr19:49,157,896, C>A. VCF-style: chr19-49157896-C-A. GRCh37 (hg19) VCF-style: chr19-49661153-C-A.
Other names: c.24+6C>A (NM_001195227.2, NM_001321281.2); c.-1349+6C>A (NM_001321282.2); c.-143+6C>A (NM_001321283.2); c.-306+6C>A (NM_001321285.2).
Identifiers: ClinVar variation 4764620 (VCV004764620.1).